The following is an entry in ClinVar:

ClinVar aggregate classification (germline): Uncertain significance (1 of 4 stars; one submission).

Conditions:
Inborn genetic diseases. Identifiers: MedGen C0950123, MeSH D030342.

Submission:

Ambry Genetics
Classification: Uncertain significance for Inborn genetic diseases. Last evaluated: 2024-06-03. Review status: criteria provided, single submitter. Criteria: Ambry Variant Classification Scheme 2023. Collection method: clinical testing. Allele origin: germline.
Comment: The p.Q381P variant (also known as c.1142A>C), located in coding exon 10 of the LRRK2 gene, results from an A to C substitution at nucleotide position 1142. The glutamine at codon 381 is replaced by proline, an amino acid with similar properties. This amino acid position is conserved. In addition, the in silico prediction for this alteration is inconclusive. Based on the available evidence, the clinical significance of this variant remains unclear.

NM_198578.4(LRRK2):c.1142A>C (p.Gln381Pro)

Gene: LRRK2 (leucine rich repeat kinase 2; plus strand). Cytogenetic location: 12q12.
Variant type: single nucleotide variant.
Coding change: c.1142A>C on transcript NM_198578.4 (MANE Select); coding-DNA position 1142, A replaced by C.
Protein change: p.Gln381Pro; replaces glutamine 381 with proline.
Molecular consequence: missense variant.
Genome position (GRCh38, 1-based): chr12:40,251,505, A>C. VCF-style: chr12-40251505-A-C. GRCh37 (hg19) VCF-style: chr12-40645307-A-C.
Other names: short protein forms Q381P.
Identifiers: ClinVar variation 3292051 (VCV003292051.1).
Genomic context (GRCh38, chr12:40,251,505, plus strand): 5'-TTTTTTCTCCCCTAATCCAGGAGGCCGCATGCTGGGCACTAAATAATCTCCTTATGTACC[A>C]AAACAGTTTACATGAGAAGATTGGAGATGAAGATGGCCAGTTAGTAGTTTTGATTTTATA-3'
Protein context (NP_940980.4, residues 371-391): CWALNNLLMY[Gln381Pro]NSLHEKIGDE